The following is an entry in ClinVar:

ClinVar aggregate classification (germline): Uncertain significance (1 of 4 stars; one submission).

Submission:

Labcorp Genetics (formerly Invitae), Labcorp
Classification: Uncertain significance. Last evaluated: 2025-04-22. Review status: criteria provided, single submitter. Criteria: Invitae Variant Classification Sherloc (09022015). Collection method: clinical testing. Allele origin: germline.
Comment: This sequence change affects codon 399 of the C1S mRNA. It is a 'silent' change, meaning that it does not change the encoded amino acid sequence of the C1S protein. This variant is not present in population databases (gnomAD no frequency). This variant has not been reported in the literature in individuals affected with C1S-related conditions. Algorithms developed to predict the effect of sequence changes on RNA splicing suggest that this variant may disrupt the consensus splice site. In summary, the available evidence is currently insufficient to determine the role of this variant in disease. Therefore, it has been classified as a Variant of Uncertain Significance.

NM_001734.5(C1S):c.1197G>T (p.Gly399=)

Gene: C1S (complement C1s; plus strand). Cytogenetic location: 12p13.31.
Variant type: single nucleotide variant.
Coding change: c.1197G>T on transcript NM_001734.5 (MANE Select); coding-DNA position 1197, G replaced by T.
Protein change: p.Gly399=; no amino-acid change (glycine 399 retained).
Molecular consequence: synonymous variant.
Genome position (GRCh38, 1-based): chr12:7,068,457, G>T. VCF-style: chr12-7068457-G-T. GRCh37 (hg19) VCF-style: chr12-7175761-G-T.
Other names: c.696G>T, p.Gly232= (NM_001346850.2); c.1197G>T, p.Gly399= (NM_201442.4).
Identifiers: ClinVar variation 4718168 (VCV004718168.1).